The following is an entry in ClinVar:

ClinVar aggregate classification (germline): Conflicting classifications of pathogenicity. Review status: criteria provided, conflicting classifications (1 of 4 stars). 2 submissions from 2 submitters: Uncertain significance (1); Likely benign (1). Last evaluated 2023-03-23.

Conditions:
Hereditary cancer-predisposing syndrome. Also called: Hereditary Cancer Syndrome; Hereditary neoplastic syndrome; Tumor predisposition; Neoplastic Syndromes, Hereditary. Identifiers: Orphanet 140162, MedGen C0027672, MeSH D009386, MONDO:0015356.
Familial cancer of breast. Also called: BREAST CANCER, FAMILIAL; hereditary breast carcinoma; Hereditary breast cancer. Identifiers: Orphanet 227535, MedGen C0346153, MONDO:0016419, OMIM 114480. Disease mechanism: loss of function.

Submissions (2):

University of Washington Department of Laboratory Medicine, University of Washington
Classification: Likely benign for Hereditary cancer-predisposing syndrome. Last evaluated: 2023-03-23. Review status: criteria provided, single submitter. Criteria: Dines et al. (Genet Med. 2020). Collection method: curation. Allele origin: germline.
Comment: Missense variant in a coldspot region where missense variants are very unlikely to be pathogenic (PMID:31911673).

BRCA2 exon 11 coldspot. Reclassification based on statistical prior probability.

Genomic Research Center, Shahid Beheshti University of Medical Sciences
Classification: Uncertain significance for Familial cancer of breast. Last evaluated: 2020-05-03. Review status: criteria provided, single submitter. Criteria: ACMG Guidelines, 2015. Collection method: clinical testing. Allele origin: unknown.

NM_000059.4(BRCA2):c.5555T>A (p.Val1852Asp)

Gene: BRCA2 (BRCA2 DNA repair associated; plus strand). Cytogenetic location: 13q13.1.
Variant type: single nucleotide variant.
Coding change: c.5555T>A on transcript NM_000059.4 (MANE Select); coding-DNA position 5555, T replaced by A.
Protein change: p.Val1852Asp; replaces valine 1852 with aspartic acid.
Molecular consequence: missense variant.
Genome position (GRCh38, 1-based): chr13:32,339,910, T>A. VCF-style: chr13-32339910-T-A. GRCh37 (hg19) VCF-style: chr13-32914047-T-A.
Other names: short protein forms V1852D.
Identifiers: ClinVar variation 127128 (VCV000127128.7), dbSNP rs483352930, ClinGen allele CA022558.
Genomic context (GRCh38, chr13:32,339,910, plus strand): 5'-CTAATAGTAATAATTTTGAGGTAGGGCCACCTGCATTTAGGATAGCCAGTGGTAAAATCG[T>A]TTGTGTTTCACATGAAACAATTAAAAAAGTGAAAGACATATTTACAGACAGTTTCAGTAA-3'
Protein context (NP_000050.3, residues 1842-1862): PAFRIASGKI[Val1852Asp]CVSHETIKKV